The following is an entry in ClinVar:

ClinVar aggregate classification (germline): Uncertain significance. Review status: criteria provided, multiple submitters, no conflicts (2 of 4 stars). 2 submissions from 2 submitters: Uncertain significance (2). Last evaluated 2026-03-09.

Conditions:
PCNT-related disorder. Also called: PCNT-related condition.
Microcephalic osteodysplastic primordial dwarfism type II (MOPD2). Also called: Microcephalic osteodysplastic primordial dwarfism with tooth abnormalities; MOPD II; OSTEODYSPLASTIC PRIMORDIAL DWARFISM, TYPE II. Identifiers: Orphanet 2637, MedGen C0432246, MONDO:0008872, OMIM 210720.

Allele frequency attached by ClinVar (database versions not stated): gnomAD 0.00002; ExAC 0.00003; gnomAD exomes 0.00003; TOPMed 0.00003.
gnomAD v4.1: 55 of 1,613,632 alleles (0.0034%); highest among the groups gnomAD compares: Middle Eastern, 0.016%; no homozygotes.

Submissions (2):

PreventionGenetics, part of Exact Sciences
Classification: Uncertain significance for PCNT-related condition. Last evaluated: 2026-03-09. Review status: criteria provided, single submitter. Criteria: ACMG Guidelines, 2015. Collection method: clinical testing. Allele origin: germline.
Comment: The PCNT c.8894C>T variant is predicted to result in the amino acid substitution p.Ala2965Val. To our knowledge, this variant has not been reported in the literature. This variant is reported in 0.0087% of alleles in individuals of Latino descent in gnomAD. At this time, the clinical significance of this variant is uncertain due to the absence of conclusive functional and genetic evidence.

Illumina Laboratory Services, Illumina
Classification: Uncertain significance for Microcephalic osteodysplastic primordial dwarfism type II. Last evaluated: 2018-01-12. Review status: criteria provided, single submitter. Criteria: ICSL Variant Classification Criteria 13 December 2019. Collection method: clinical testing. Allele origin: germline.

NM_006031.6(PCNT):c.8894C>T (p.Ala2965Val)

Gene: PCNT (pericentrin; plus strand). Cytogenetic location: 21q22.3.
Variant type: single nucleotide variant.
Coding change: c.8894C>T on transcript NM_006031.6 (MANE Select); coding-DNA position 8894, C replaced by T.
Protein change: p.Ala2965Val; replaces alanine 2965 with valine.
Molecular consequence: missense variant.
Genome position (GRCh38, 1-based): chr21:46,436,046, C>T. VCF-style: chr21-46436046-C-T. GRCh37 (hg19) VCF-style: chr21-47855959-C-T.
Other names: c.8303C>T, p.Ala2768Val (NM_001315529.2); short protein forms A2768V, A2965V.
Identifiers: ClinVar variation 895968 (VCV000895968.7), dbSNP rs200044004, ClinGen allele CA10081114.